The following is an entry in ClinVar:

ClinVar aggregate classification (germline): Pathogenic (1 of 4 stars; one submission).

Conditions:
Atypical hemolytic-uremic syndrome. Identifiers: Orphanet 2134, MedGen C2931788, MONDO:0016244.

Submission:

Genomenon, Inc
Classification: Pathogenic for Atypical hemolytic-uremic syndrome. Last evaluated: 2025-10-02. Review status: criteria provided, single submitter. Criteria: Genomenon Sequence Variant Interpretation Standards. Collection method: curation. Allele origin: germline. Affected: yes.
Comment: CD46 c.1027+2T>C is a canonical splice variant located in the donor splice region in intron 10. It is predicted to affect mRNA splicing, leading to a deleterious effect on the CD46 protein. This variant has been observed in at least one proband affected with atypical hemolytic-uremic syndrome (PMID:17261436;29500241). At least one splicing study identified that this variant results in aberrant splicing (PMID:17261436). It is absent or not present at a significant frequency in gnomAD. In conclusion, we classify CD46 c.1027+2T>C as a pathogenic variant.

Literature cited by the submitters: PubMed 17261436; PubMed 29500241.

NM_172351.3(CD46):c.982+2T>C

Gene: CD46 (CD46 molecule; plus strand). Cytogenetic location: 1q32.2.
Variant type: single nucleotide variant.
Coding change: c.982+2T>C on transcript NM_172351.3 (MANE Select); the canonical splice donor site of the intron after coding-DNA position 982, T replaced by C.
Molecular consequence: splice donor variant.
Genome position (GRCh38, 1-based): chr1:207,783,332, T>C. VCF-style: chr1-207783332-T-C. GRCh37 (hg19) VCF-style: chr1-207956677-T-C.
Other names: c.1027+2T>C (NM_002389.4, NM_172359.3); c.982+2T>C (NM_153826.4, NM_172358.3); c.940+2T>C (NM_172355.3, NM_172356.3); c.937+2T>C (NM_172352.3, NM_172353.3, NM_172350.3); c.895+2T>C (NM_172357.3, NM_172361.3).
Identifiers: ClinVar variation 4291212 (VCV004291212.1).
Genomic context (GRCh38, chr1:207,783,332, plus strand): 5'-TATTTCTTCTTTTTTCCTAGGATATCCTAAACCTGAGGAAGGAATACTTGACAGTTTGGG[T>C]TGGTATAGCTATCATGACAAATATAAGTGGTAGTATGTGTAGAAACGTGTAGGTAATTAG-3'